The following is an entry in ClinVar:

NM_002185.5(IL7R):c.392C>T (p.Ala131Val)

Gene: IL7R (interleukin 7 receptor; plus strand). Cytogenetic location: 5p13.2.
Variant type: single nucleotide variant.
Coding change: c.392C>T on transcript NM_002185.5 (MANE Select); coding-DNA position 392, C replaced by T.
Protein change: p.Ala131Val; replaces alanine 131 with valine.
Molecular consequence: missense variant. On other transcripts: non-coding transcript variant (1).
Genome position (GRCh38, 1-based): chr5:35,871,068, C>T. VCF-style: chr5-35871068-C-T. GRCh37 (hg19) VCF-style: chr5-35871170-C-T.
Other names: short protein forms A131V.
Identifiers: ClinVar variation 953538 (VCV000953538.10), dbSNP rs1760061386, ClinGen allele CA359429665.

ClinVar aggregate classification (germline): Uncertain significance (1 of 4 stars; one submission).

Conditions:
Immunodeficiency 104. Also called: Severe combined immunodeficiency, autosomal recessive, T cell-negative, B cell-positive, NK cell-positive; IMMUNODEFICIENCY 104, SEVERE COMBINED; SCID, AUTOSOMAL RECESSIVE, T CELL-NEGATIVE, B CELL-POSITIVE, NK CELL-POSITIVE; Severe Combined Immune Deficiency, Autosomal Recessive, TCell -Negative, B Cell-Positive, NK Cell-Positive, IL7R-Related. Identifiers: MedGen C5676890, MONDO:0012163, OMIM 608971.

Submission:

Labcorp Genetics (formerly Invitae), Labcorp
Classification: Uncertain significance for Immunodeficiency 104. Last evaluated: 2019-08-30. Review status: criteria provided, single submitter. Criteria: Invitae Variant Classification Sherloc (09022015). Collection method: clinical testing. Allele origin: germline.
Comment: In summary, the available evidence is currently insufficient to determine the role of this variant in disease. Therefore, it has been classified as a Variant of Uncertain Significance. This variant is not present in population databases (ExAC no frequency). This sequence change replaces alanine with valine at codon 131 of the IL7R protein (p.Ala131Val). The alanine residue is moderately conserved and there is a small physicochemical difference between alanine and valine. Algorithms developed to predict the effect of missense changes on protein structure and function are either unavailable or do not agree on the potential impact of this missense change (SIFT: "Tolerated"; PolyPhen-2: "Possibly Damaging"; Align-GVGD: "Class C0"). This variant has not been reported in the literature in individuals with IL7R-related conditions.